The following is an entry in ClinVar:

ClinVar aggregate classification (germline): Uncertain significance (1 of 4 stars; one submission).

gnomAD v4.1: 2 of 1,613,708 alleles (0.00012%); highest among the groups gnomAD compares: Non-Finnish European, 0.000085%; no homozygotes.

Submission:

Labcorp Genetics (formerly Invitae), Labcorp
Classification: Uncertain significance. Last evaluated: 2025-05-04. Review status: criteria provided, single submitter. Criteria: Invitae Variant Classification Sherloc (09022015). Collection method: clinical testing. Allele origin: germline.
Comment: This sequence change replaces isoleucine, which is neutral and non-polar, with arginine, which is basic and polar, at codon 3026 of the VCAN protein (p.Ile3026Arg). This variant is not present in population databases (gnomAD no frequency). This variant has not been reported in the literature in individuals affected with VCAN-related conditions. An algorithm developed to predict the effect of missense changes on protein structure and function (PolyPhen-2) suggests that this variant is likely to be tolerated. In summary, the available evidence is currently insufficient to determine the role of this variant in disease. Therefore, it has been classified as a Variant of Uncertain Significance.

NM_004385.5(VCAN):c.9077T>G (p.Ile3026Arg)

Genes: VCAN (versican; plus strand), VCAN-AS1 (VCAN antisense RNA 1; minus strand). Cytogenetic location: 5q14.3.
Variant type: single nucleotide variant.
Coding change: c.9077T>G on transcript NM_004385.5 (MANE Select); coding-DNA position 9077, T replaced by G.
Protein change: p.Ile3026Arg; replaces isoleucine 3026 with arginine.
Molecular consequence: missense variant. On other transcripts: intron variant (2).
Genome position (GRCh38, 1-based): chr5:83,542,080, T>G. VCF-style: chr5-83542080-T-G. GRCh37 (hg19) VCF-style: chr5-82837899-T-G.
Other names: c.6116T>G, p.Ile2039Arg (NM_001164097.2); c.4004-3457T>G (NM_001164098.2); c.1043-3457T>G (NM_001126336.3); short protein forms I2039R, I3026R.
Identifiers: ClinVar variation 4810485 (VCV004810485.1).